The following is an entry in ClinVar:

NM_032119.4(ADGRV1):c.14845del (p.Ser4949fs)

Gene: ADGRV1 (adhesion G protein-coupled receptor V1; plus strand). Cytogenetic location: 5q14.3.
Variant type: Deletion.
Coding change: c.14845del on transcript NM_032119.4 (MANE Select); coding-DNA position 14845, one base deleted (T; older notation c.14845delT).
Protein change: p.Ser4949fs; shifts the reading frame from serine 4949.
Molecular consequence: frameshift variant. On other transcripts: non-coding transcript variant (1).
Genome position (GRCh38, 1-based): chr5:90,807,610, T deleted; the last of 3 consecutive T bases (chr5:90,807,608-90,807,610); deleting any one gives the same sequence. VCF-style (leftmost placement, unchanged base first): chr5-90807607-CT-C. GRCh37 (hg19) VCF-style: chr5-90103424-CT-C.
Other names: short protein forms S4949fs.
Identifiers: ClinVar variation 2862631 (VCV002862631.3), dbSNP rs2532157652, ClinGen allele CA2674576871.

ClinVar aggregate classification (germline): Pathogenic (1 of 4 stars; one submission).

Submission:

Labcorp Genetics (formerly Invitae), Labcorp
Classification: Pathogenic. Last evaluated: 2023-05-08. Review status: criteria provided, single submitter. Criteria: Invitae Variant Classification Sherloc (09022015). Collection method: clinical testing. Allele origin: germline.
Comment: This sequence change creates a premature translational stop signal (p.Ser4949Hisfs*67) in the ADGRV1 gene. It is expected to result in an absent or disrupted protein product. Loss-of-function variants in ADGRV1 are known to be pathogenic (PMID: 19357117, 22135276, 22147658, 26226137, 30718709, 31047384, 32467589). For these reasons, this variant has been classified as Pathogenic. This variant has not been reported in the literature in individuals affected with ADGRV1-related conditions. This variant is not present in population databases (gnomAD no frequency).

Literature cited by the submitters: PubMed 19357117; PubMed 22135276; PubMed 22147658; PubMed 26226137; PubMed 30718709; PubMed 31047384; PubMed 32467589.